The following is an entry in ClinVar:

NM_015057.5(MYCBP2):c.5652G>T (p.Arg1884Ser)

Gene: MYCBP2 (MYC binding protein 2; minus strand). Cytogenetic location: 13q22.3.
Variant type: single nucleotide variant.
Coding change: c.5652G>T on transcript NM_015057.5 (MANE Select); coding-DNA position 5652, G replaced by T.
Protein change: p.Arg1884Ser; replaces arginine 1884 with serine.
Molecular consequence: missense variant.
Genome position (GRCh38, 1-based): chr13:77,171,634, C>A on the plus strand (G>T on the coding strand, the complement: MYCBP2 is on the minus strand). VCF-style: chr13-77171634-C-A. GRCh37 (hg19) VCF-style: chr13-77745769-C-A.
Other names: short protein forms R1884S.
Identifiers: ClinVar variation 3600371 (VCV003600371.1).
Genomic context (GRCh38, chr13:77,171,634, plus strand): 5'-TTTATCTTCTTCATTGGCTTTACTCAGAAGTTGGGATTGTAAATCTCCATCAAATTCACT[C>A]CTGTAGCATGAGCAAACATGAGATTATTTTACAATGGTAAGTAAAACATGATCCAGTGCC-3'
Protein context (NP_055872.4, residues 1874-1894): RGQIPQILYY[Arg1884Ser]SEFDGDLQSQ

ClinVar aggregate classification (germline): Uncertain significance (1 of 4 stars; one submission).

Conditions:
MYCBP2-related developmental delay with corpus callosum defects. Identifiers: MedGen CN379477, MONDO:1060117.

Submission:

Clinical Genomics Laboratory, Washington University in St. Louis
Classification: Uncertain significance for MYCBP2-related developmental delay with corpus callosum defects. Last evaluated: 2024-10-17. Review status: criteria provided, single submitter. Criteria: ACMG Guidelines, 2015. Collection method: clinical testing. Allele origin: germline.
Comment: The MYCBP2 c.5652G>T (p.Arg1884Ser) variant, to our knowledge, has not been reported in the medical literature and is absent from the general population (gnomAD v.2.1.1), indicating it is not a common variant. Computational predictors suggest that the variant does not impact MYCBP2 function. Due to limited information, and based on ACMG/AMP guidelines for variant interpretation (Richards S et al., PMID: 25741868), the clinical significance of this variant is uncertain at this time.